The following is an entry in ClinVar:

NM_032608.7(MYO18B):c.6523A>G (p.Ser2175Gly)

Gene: MYO18B (myosin XVIIIB; plus strand). Cytogenetic location: 22q12.1.
Variant type: single nucleotide variant.
Coding change: c.6523A>G on transcript NM_032608.7 (MANE Select); coding-DNA position 6523, A replaced by G.
Protein change: p.Ser2175Gly; replaces serine 2175 with glycine.
Molecular consequence: missense variant.
Genome position (GRCh38, 1-based): chr22:26,026,497, A>G. VCF-style: chr22-26026497-A-G. GRCh37 (hg19) VCF-style: chr22-26422463-A-G.
Other names: c.6526A>G, p.Ser2176Gly (NM_001318245.2); short protein forms S2175G, S2176G.
Identifiers: ClinVar variation 1394127 (VCV001394127.6), dbSNP rs1486052838, ClinGen allele CA411009909.
Genomic context (GRCh38, chr22:26,026,497, plus strand): 5'-TGGCACAGGATAAACGAAGAGGCTGGGGACACTGAGAGGACCCAGTCGGCATTGGCACTG[A>G]GCAGAGCCCGGTCCACCAATGTCCACAGCAAGACCTCAGGAGACAAGCCTGTTTCTCCCC-3'
Protein context (NP_115997.5, residues 2165-2185): TERTQSALAL[Ser2175Gly]RARSTNVHSK

ClinVar aggregate classification (germline): Uncertain significance (1 of 4 stars; one submission).

Allele frequency attached by ClinVar (database versions not stated): gnomAD 0.00001; TOPMed 0.00003.
gnomAD v4.1: 2 of 1,613,802 alleles (0.00012%); highest among the groups gnomAD compares: African/African-American, 0.0027%; no homozygotes.

Submission:

Labcorp Genetics (formerly Invitae), Labcorp
Classification: Uncertain significance. Last evaluated: 2023-05-15. Review status: criteria provided, single submitter. Criteria: Invitae Variant Classification Sherloc (09022015). Collection method: clinical testing. Allele origin: germline.
Comment: In summary, the available evidence is currently insufficient to determine the role of this variant in disease. Therefore, it has been classified as a Variant of Uncertain Significance. Algorithms developed to predict the effect of missense changes on protein structure and function output the following: SIFT: "Not Available"; PolyPhen-2: "Benign"; Align-GVGD: "Not Available". The glycine amino acid residue is found in multiple mammalian species, which suggests that this missense change does not adversely affect protein function. ClinVar contains an entry for this variant (Variation ID: 1394127). This variant has not been reported in the literature in individuals affected with MYO18B-related conditions. This variant is not present in population databases (gnomAD no frequency). This sequence change replaces serine with glycine at codon 2175 of the MYO18B protein (p.Ser2175Gly). The serine residue is weakly conserved and there is a small physicochemical difference between serine and glycine.